The following is an entry in ClinVar:

NM_001035.3(RYR2):c.9128+133A>G

Gene: RYR2 (ryanodine receptor 2; plus strand). Cytogenetic location: 1q43.
Variant type: single nucleotide variant.
Coding change: c.9128+133A>G on transcript NM_001035.3 (MANE Select); 133 bases into the intron after coding-DNA position 9128, A replaced by G.
Molecular consequence: intron variant.
Genome position (GRCh38, 1-based): chr1:237,699,158, A>G. VCF-style: chr1-237699158-A-G. GRCh37 (hg19) VCF-style: chr1-237862458-A-G.
Identifiers: ClinVar variation 672101 (VCV000672101.1), dbSNP rs3736539, ClinGen allele CA39785608.

ClinVar aggregate classification (germline): Benign (1 of 4 stars; one submission).

Allele frequency attached by ClinVar (database versions not stated): 1000 Genomes Project 30x 0.45909; 1000 Genomes Project 0.46645; TOPMed 0.51281; gnomAD 0.53619; gnomAD exomes 0.66130.
gnomAD v4.1: 291,669 of 470,326 alleles (62%); highest among the groups gnomAD compares: Non-Finnish European, 70%; 97,469 homozygotes.

Submission:

GeneDx
Classification: Benign. Last evaluated: 2018-06-15. Review status: criteria provided, single submitter. Criteria: GeneDx Variant Classification (06012015). Collection method: clinical testing. Allele origin: germline. Affected: yes.
Comment: This variant is considered likely benign or benign based on one or more of the following criteria: it is a conservative change, it occurs at a poorly conserved position in the protein, it is predicted to be benign by multiple in silico algorithms, and/or has population frequency not consistent with disease.